The following is an entry in ClinVar:

ClinVar aggregate classification (germline): Pathogenic (1 of 4 stars; one submission).

Conditions:
Tuberous sclerosis 2 (TSC2). Identifiers: Orphanet 805, MedGen C1860707, MONDO:0013199, OMIM 613254.

Submission:

Labcorp Genetics (formerly Invitae), Labcorp
Classification: Pathogenic for Tuberous sclerosis 2. Last evaluated: 2019-01-26. Review status: criteria provided, single submitter. Criteria: Invitae Variant Classification Sherloc (09022015). Collection method: clinical testing. Allele origin: germline.
Comment: This sequence change creates a premature translational stop signal (p.Gln695Profs*15) in the TSC2 gene. It is expected to result in an absent or disrupted protein product. This variant is not present in population databases (ExAC no frequency). For these reasons, this variant has been classified as Pathogenic. Loss-of-function variants in TSC2 are known to be pathogenic (PMID: 10205261, 17304050). This variant has not been reported in the literature in individuals with TSC2-related conditions.

Literature cited by the submitters: PubMed 10205261; PubMed 17304050.

NM_000548.5(TSC2):c.2057_2078dup (p.Gln695fs)

Gene: TSC2 (TSC complex subunit 2; plus strand). Cytogenetic location: 16p13.3.
Variant type: Duplication.
Coding change: c.2057_2078dup on transcript NM_000548.5 (MANE Select); coding-DNA positions 2057 to 2078, 22 bases duplicated (ACTCCCTGCTCTTCCGCGTCCT).
Protein change: p.Gln695fs; shifts the reading frame from glutamine 695.
Molecular consequence: frameshift variant.
Genome position (GRCh38, 1-based): chr16:2,071,894-2,071,915, ACTCCCTGCTCTTCCGCGTCCT duplicated; duplicating any 22 consecutive bases within chr16:2,071,891-2,071,915 gives the same sequence; the c. name uses the placement nearest the transcript's 3' end. VCF-style (leftmost placement, unchanged base first): chr16-2071890-C-CCCTACTCCCTGCTCTTCCGCGT. GRCh37 (hg19) VCF-style: chr16-2121891-C-CCCTACTCCCTGCTCTTCCGCGT.
Other names: c.2057_2078dup, p.Gln695fs (NM_001077183.3, NM_001114382.3, NM_001363528.2 and 3 more transcripts); c.1946_1967dup, p.Gln658fs (NM_001318827.2); c.1910_1931dup, p.Gln646fs (NM_001318829.2); c.1457_1478dup, p.Gln495fs (NM_001318831.2); c.2090_2111dup, p.Gln706fs (NM_001318832.2); short protein forms Q495fs, Q646fs, Q695fs, Q658fs, Q706fs.
Identifiers: ClinVar variation 840610 (VCV000840610.7), dbSNP rs2088476977, ClinGen allele CA916081764.
Genomic context (GRCh38, chr16:2,071,890, plus strand): 5'-CCTCCCACAGGGCCTCCTGGCCCGGCGCCTGCAGGCCCCGCCGTGCGGCTGGGGTCCGTG[C>CCCTACTCCCTGCTCTTCCGCGT]CCTACTCCCTGCTCTTCCGCGTCCTGCTGCAGTGCTTGAAGCAGGTGAGTGGGGCCGGGC-3'